The following is an entry in ClinVar:

ClinVar aggregate classification (germline): Uncertain significance (1 of 4 stars; one submission).

Allele frequency attached by ClinVar (database versions not stated): gnomAD exomes below 0.00001 and 0.00001; ExAC 0.00002; gnomAD 0.00003 and 0.00004; TOPMed 0.00005.
gnomAD v4.1: 8 of 1,580,876 alleles (0.00051%); highest among the groups gnomAD compares: African/African-American, 0.011%; no homozygotes.

Submission:

Labcorp Genetics (formerly Invitae), Labcorp
Classification: Uncertain significance. Last evaluated: 2024-11-18. Review status: criteria provided, single submitter. Criteria: Invitae Variant Classification Sherloc (09022015). Collection method: clinical testing. Allele origin: germline.
Comment: This sequence change replaces serine, which is neutral and polar, with proline, which is neutral and non-polar, at codon 679 of the COL9A3 protein (p.Ser679Pro). The frequency data for this variant in the population databases is considered unreliable, as metrics indicate poor data quality at this position in the gnomAD database. This variant has not been reported in the literature in individuals affected with COL9A3-related conditions. ClinVar contains an entry for this variant (Variation ID: 1488814). Invitae Evidence Modeling of protein sequence and biophysical properties (such as structural, functional, and spatial information, amino acid conservation, physicochemical variation, residue mobility, and thermodynamic stability) indicates that this missense variant is not expected to disrupt COL9A3 protein function with a negative predictive value of 95%. In summary, the available evidence is currently insufficient to determine the role of this variant in disease. Therefore, it has been classified as a Variant of Uncertain Significance.

NM_001853.4(COL9A3):c.2035T>C (p.Ser679Pro)

Gene: COL9A3 (collagen type IX alpha 3 chain; plus strand). Cytogenetic location: 20q13.33.
Variant type: single nucleotide variant.
Coding change: c.2035T>C on transcript NM_001853.4 (MANE Select); coding-DNA position 2035, T replaced by C.
Protein change: p.Ser679Pro; replaces serine 679 with proline.
Molecular consequence: missense variant.
Genome position (GRCh38, 1-based): chr20:62,840,712, T>C. VCF-style: chr20-62840712-T-C. GRCh37 (hg19) VCF-style: chr20-61472064-T-C.
Other names: short protein forms S679P.
Identifiers: ClinVar variation 1488814 (VCV001488814.6), dbSNP rs774339334, ClinGen allele CA9950293.